The following is an entry in ClinVar:

NM_001830.4(CLCN4):c.2157A>C (p.Lys719Asn)

Gene: CLCN4 (chloride voltage-gated channel 4; plus strand). Cytogenetic location: Xp22.2.
Variant type: single nucleotide variant.
Coding change: c.2157A>C on transcript NM_001830.4 (MANE Select); coding-DNA position 2157, A replaced by C.
Protein change: p.Lys719Asn; replaces lysine 719 with asparagine.
Molecular consequence: missense variant.
Genome position (GRCh38, 1-based): chrX:10,220,842, A>C. VCF-style: chrX-10220842-A-C. GRCh37 (hg19) VCF-style: chrX-10188882-A-C.
Other names: c.1875A>C, p.Lys625Asn (NM_001256944.2); short protein forms K625N, K719N.
Identifiers: ClinVar variation 2753509 (VCV002753509.3), dbSNP rs1487692730, ClinGen allele CA412044863.

ClinVar aggregate classification (germline): Uncertain significance (1 of 4 stars; one submission).

Submission:

Labcorp Genetics (formerly Invitae), Labcorp
Classification: Uncertain significance. Last evaluated: 2024-04-10. Review status: criteria provided, single submitter. Criteria: Invitae Variant Classification Sherloc (09022015). Collection method: clinical testing. Allele origin: germline.
Comment: This sequence change replaces lysine, which is basic and polar, with asparagine, which is neutral and polar, at codon 719 of the CLCN4 protein (p.Lys719Asn). This variant is not present in population databases (gnomAD no frequency). This variant has not been reported in the literature in individuals affected with CLCN4-related conditions. Advanced modeling of protein sequence and biophysical properties (such as structural, functional, and spatial information, amino acid conservation, physicochemical variation, residue mobility, and thermodynamic stability) has been performed at Invitae for this missense variant, however the output from this modeling did not meet the statistical confidence thresholds required to predict the impact of this variant on CLCN4 protein function. In summary, the available evidence is currently insufficient to determine the role of this variant in disease. Therefore, it has been classified as a Variant of Uncertain Significance.